The following is an entry in ClinVar:

ClinVar aggregate classification (germline): Conflicting classifications of pathogenicity. Review status: criteria provided, conflicting classifications (1 of 4 stars). 3 submissions from 3 submitters: Uncertain significance (2); Likely benign (1). Last evaluated 2025-09-05.

Conditions:
Inborn genetic diseases. Identifiers: MedGen C0950123, MeSH D030342.
Intellectual developmental disorder, autosomal recessive 37. Also called: Intellectual disability-hypotonia-spasticity-sleep disorder syndrome. Identifiers: Orphanet 356996, MedGen C3809672, MONDO:0014210, OMIM 615493.

Allele frequency attached by ClinVar (database versions not stated): gnomAD exomes 0.00008 and 0.00005; gnomAD 0.00006; TOPMed 0.00006; ExAC 0.00008.
gnomAD v4.1: 80 of 1,613,930 alleles (0.005%); highest among the groups gnomAD compares: Middle Eastern, 0.016%; no homozygotes.

Submissions (3):

Labcorp Genetics (formerly Invitae), Labcorp
Classification: Uncertain significance. Last evaluated: 2025-09-05. Review status: criteria provided, single submitter. Criteria: Invitae Variant Classification Sherloc (09022015). Collection method: clinical testing. Allele origin: germline.
Comment: This sequence change replaces serine, which is neutral and polar, with phenylalanine, which is neutral and non-polar, at codon 1728 of the ANK3 protein (p.Ser1728Phe). This variant is present in population databases (rs759998919, gnomAD 0.2%). This variant has not been reported in the literature in individuals affected with ANK3-related conditions. ClinVar contains an entry for this variant (Variation ID: 1184343). Invitae Evidence Modeling of protein sequence and biophysical properties (such as structural, functional, and spatial information, amino acid conservation, physicochemical variation, residue mobility, and thermodynamic stability) has been performed for this missense variant. However, the output from this modeling did not meet the statistical confidence thresholds required to predict the impact of this variant on ANK3 protein function. In summary, the available evidence is currently insufficient to determine the role of this variant in disease. Therefore, it has been classified as a Variant of Uncertain Significance.

Ambry Genetics
Classification: Likely benign for Inborn genetic diseases. Last evaluated: 2024-12-24. Review status: criteria provided, single submitter. Criteria: Ambry Variant Classification Scheme 2023. Collection method: clinical testing. Allele origin: germline.

New York Genome Center
Classification: Uncertain significance for Intellectual developmental disorder, autosomal recessive 37. Last evaluated: 2020-07-14. Review status: criteria provided, single submitter. Criteria: NYGC Assertion Criteria 2020. Collection method: clinical testing. Allele origin: inherited. Observed: 1 compound heterozygote. Study: CSER-NYCKidSeq.
Comment: The inherited c.5183C>T (p.Ser1728Phe) variant identified in the ANK3 gene substitutes a moderately conserved Serine for Phenylalanine at amino acid 1728/4378 (exon 37/44). This variant is found with low frequency in gnomAD (9 heterozygotes, 0 homozygotes; allele frequency:6.28e-5), suggesting it is not a common benign variant in the populations represented in that database. In silico algorithms do not agree on the effect of this variant, as it is predicted both Neutral (Provean; score:-2.05) and Damaging (SIFT; score:0.002) to the function of the canonical transcript. This variant is absent from ClinVar and to our current knowledge has not been reported in affected individuals in the literature. The p.Ser1728 residue is not within a mapped domain of ANK3 (UniProtKB:Q12955). Given the lack of compelling evidence for its pathogenicity, the inherited c.5183C>T (p.Ser1728Phe) variant identified in the ANK3 gene is reported here as a Variant of Uncertain Significance.

NM_020987.5(ANK3):c.5183C>T (p.Ser1728Phe)

Gene: ANK3 (ankyrin 3; minus strand). Cytogenetic location: 10q21.2.
Variant type: single nucleotide variant.
Coding change: c.5183C>T on transcript NM_020987.5 (MANE Select); coding-DNA position 5183, C replaced by T.
Protein change: p.Ser1728Phe; replaces serine 1728 with phenylalanine.
Molecular consequence: missense variant. On other transcripts: intron variant (4).
Genome position (GRCh38, 1-based): chr10:60,075,698, G>A on the plus strand (C>T on the coding strand, the complement: ANK3 is on the minus strand). VCF-style: chr10-60075698-G-A. GRCh37 (hg19) VCF-style: chr10-61835456-G-A.
Other names: c.5183C>T (NM_020987.3); c.4387+4839C>T (NM_001204403.2); c.4408+4839C>T (NM_001204404.2); c.4405+4839C>T (NM_001320874.2); c.1807+4839C>T (NM_001149.4); short protein forms S1728F.
Identifiers: ClinVar variation 1184343 (VCV001184343.3), dbSNP rs759998919, ClinGen allele CA5512047.